The following is an entry in ClinVar:

NM_020975.6(RET):c.2789C>T (p.Thr930Met)

Gene: RET (ret proto-oncogene; plus strand). Cytogenetic location: 10q11.21.
Variant type: single nucleotide variant.
Coding change: c.2789C>T on transcript NM_020975.6 (MANE Select); coding-DNA position 2789, C replaced by T.
Protein change: p.Thr930Met; replaces threonine 930 with methionine.
Molecular consequence: missense variant.
Genome position (GRCh38, 1-based): chr10:43,122,004, C>T. VCF-style: chr10-43122004-C-T. GRCh37 (hg19) VCF-style: chr10-43617452-C-T.
Other names: c.2789C>T, p.Thr930Met (NM_000323.2, NM_001406743.1, NM_001406744.1 and 4 more transcripts); c.2027C>T, p.Thr676Met (NM_001355216.2); c.2660C>T, p.Thr887Met (NM_001406761.1, NM_001406762.1, NM_001406764.1); c.2654C>T, p.Thr885Met (NM_001406763.1, NM_001406765.1); c.2501C>T, p.Thr834Met (NM_001406766.1, NM_001406767.1, NM_001406770.1); c.2525C>T, p.Thr842Met (NM_001406768.1); c.2393C>T, p.Thr798Met (NM_001406769.1, NM_001406772.1); c.2351C>T, p.Thr784Met (NM_001406771.1, NM_001406773.1); and 10 more; short protein forms T676M, T930M, T447M, T588M, T755M, T631M, T688M, T887M.
Identifiers: ClinVar variation 1035325 (VCV001035325.13), dbSNP rs1838228966, ClinGen allele CA376557648.

ClinVar aggregate classification (germline): Uncertain significance. Review status: criteria provided, multiple submitters, no conflicts (2 of 4 stars). 3 submissions from 3 submitters: Uncertain significance (3). Last evaluated 2025-10-31.

Conditions:
Hereditary cancer-predisposing syndrome. Also called: Hereditary neoplastic syndrome; Neoplastic Syndromes, Hereditary; Tumor predisposition; Hereditary Cancer Syndrome. Identifiers: Orphanet 140162, MedGen C0027672, MeSH D009386, MONDO:0015356.
Multiple endocrine neoplasia, type 2 (MEN2). Identifiers: Orphanet 653, MedGen C4048306, MONDO:0019003. Disease mechanism: gain of function.

Submissions (3):

Labcorp Genetics (formerly Invitae), Labcorp
Classification: Uncertain significance for Multiple endocrine neoplasia, type 2. Last evaluated: 2025-10-31. Review status: criteria provided, single submitter. Criteria: Invitae Variant Classification Sherloc (09022015). Collection method: clinical testing. Allele origin: germline.
Comment: This sequence change replaces threonine, which is neutral and polar, with methionine, which is neutral and non-polar, at codon 930 of the RET protein (p.Thr930Met). This variant is not present in population databases (gnomAD no frequency). This variant has not been reported in the literature in individuals affected with RET-related conditions. ClinVar contains an entry for this variant (Variation ID: 1035325). An algorithm developed to predict the effect of missense changes on protein structure and function (PolyPhen-2) suggests that this variant is likely to be disruptive. In summary, the available evidence is currently insufficient to determine the role of this variant in disease. Therefore, it has been classified as a Variant of Uncertain Significance.

Blueprint Genetics
Classification: Uncertain significance. Last evaluated: 2024-09-04. Review status: criteria provided, single submitter. Criteria: ACMG Guidelines, 2015. Collection method: clinical testing. Allele origin: germline.

Ambry Genetics
Classification: Uncertain significance for Hereditary cancer-predisposing syndrome. Last evaluated: 2024-07-16. Review status: criteria provided, single submitter. Criteria: Ambry Variant Classification Scheme 2023. Collection method: clinical testing. Allele origin: germline.
Comment: The p.T930M variant (also known as c.2789C>T), located in coding exon 16 of the RET gene, results from a C to T substitution at nucleotide position 2789. The threonine at codon 930 is replaced by methionine, an amino acid with similar properties. This amino acid position is well conserved in available vertebrate species. In addition, this alteration is predicted to be deleterious by in silico analysis. Based on the available evidence, the clinical significance of this variant remains unclear.